The following is an entry in ClinVar:

ClinVar aggregate classification (germline): Uncertain significance. Review status: criteria provided, multiple submitters, no conflicts (2 of 4 stars). 4 submissions from 4 submitters: Uncertain significance (3). 1 of the submissions does not count toward it. Last evaluated 2024-09-20.

Conditions:
Cystic fibrosis (CF). Also called: MUCOVISCIDOSIS. Identifiers: Orphanet 586, MedGen C0010674, MONDO:0009061, OMIM 219700. Disease mechanism: loss of function.

Allele frequency attached by ClinVar (database versions not stated): gnomAD exomes below 0.00001.
gnomAD v4.1: 1 of 1,614,054 alleles (0.000062%); highest among the groups gnomAD compares: Non-Finnish European, 0.000085%; no homozygotes.

Submissions (4):

Women's Health and Genetics/Laboratory Corporation of America, LabCorp
Classification: Uncertain significance. Last evaluated: 2024-09-20. Review status: criteria provided, single submitter. Criteria: LabCorp Variant Classification Summary - May 2015. Collection method: clinical testing. Allele origin: germline.

Ambry Genetics
Classification: Uncertain significance for Cystic fibrosis. Last evaluated: 2024-01-31. Review status: criteria provided, single submitter. Criteria: Ambry Variant Classification Scheme 2023. Collection method: clinical testing. Allele origin: germline.
Comment: The p.S1456R variant (also known as c.4368C>G), located in coding exon 27 of the CFTR gene, results from a C to G substitution at nucleotide position 4368. The serine at codon 1456 is replaced by arginine, an amino acid with dissimilar properties. This amino acid position is conserved. In addition, the in silico prediction for this alteration is inconclusive. Since supporting evidence is limited at this time, the clinical significance of this alteration remains unclear.

Labcorp Genetics (formerly Invitae), Labcorp
Classification: Uncertain significance for Cystic fibrosis. Last evaluated: 2021-08-31. Review status: criteria provided, single submitter. Criteria: Invitae Variant Classification Sherloc (09022015). Collection method: clinical testing. Allele origin: germline.
Comment: This sequence change replaces serine with arginine at codon 1456 of the CFTR protein (p.Ser1456Arg). The serine residue is moderately conserved and there is a moderate physicochemical difference between serine and arginine. This variant is not present in population databases (ExAC no frequency). This variant has not been reported in the literature in individuals affected with CFTR-related conditions. Algorithms developed to predict the effect of missense changes on protein structure and function (SIFT, PolyPhen-2, Align-GVGD) all suggest that this variant is likely to be tolerated. In summary, the available evidence is currently insufficient to determine the role of this variant in disease. Therefore, it has been classified as a Variant of Uncertain Significance.

Natera, Inc.
Classification: Uncertain significance for Cystic Fibrosis. Last evaluated: 2020-09-16. Review status: no assertion criteria provided. Collection method: clinical testing. Allele origin: germline. Not counted in ClinVar's aggregate classification.

NM_000492.4(CFTR):c.4368C>G (p.Ser1456Arg)

Genes: CFTR (CF transmembrane conductance regulator; plus strand), LOC111674477 (CFTR intron 23 enhancer; plus strand). Cytogenetic location: 7q31.2.
Variant type: single nucleotide variant.
Coding change: c.4368C>G on transcript NM_000492.4 (MANE Select); coding-DNA position 4368, C replaced by G.
Protein change: p.Ser1456Arg; replaces serine 1456 with arginine.
Molecular consequence: missense variant.
Genome position (GRCh38, 1-based): chr7:117,667,033, C>G. VCF-style: chr7-117667033-C-G. GRCh37 (hg19) VCF-style: chr7-117307087-C-G.
Other names: short protein forms S1456R.
Identifiers: ClinVar variation 858353 (VCV000858353.10), dbSNP rs1793394598, ClinGen allele CA368985147.